The following is an entry in ClinVar:

ClinVar aggregate classification (germline): Uncertain significance. Review status: criteria provided, multiple submitters, no conflicts (2 of 4 stars). 3 submissions from 3 submitters: Uncertain significance (2). 1 of the submissions does not count toward it. Last evaluated 2023-04-17.

Conditions:
Enhanced S-cone syndrome (ESCS). Identifiers: Orphanet 53540, MedGen C1849394, MONDO:0100288, MONDO:0009989.

Allele frequency attached by ClinVar (database versions not stated): gnomAD exomes below 0.00001; gnomAD 0.00001 and 0.00002; TOPMed 0.00001; 1000 Genomes Project 30x 0.00016; 1000 Genomes Project 0.00020.
gnomAD v4.1: 6 of 1,612,188 alleles (0.00037%); highest among the groups gnomAD compares: African/African-American, 0.0027%; no homozygotes.

Submissions (3):

Blueprint Genetics
Classification: Uncertain significance. Last evaluated: 2023-04-17. Review status: criteria provided, single submitter. Criteria: ACMG Guidelines, 2015. Collection method: clinical testing. Allele origin: germline.

Labcorp Genetics (formerly Invitae), Labcorp
Classification: Uncertain significance. Last evaluated: 2022-10-14. Review status: criteria provided, single submitter. Criteria: Invitae Variant Classification Sherloc (09022015). Collection method: clinical testing. Allele origin: germline.
Comment: This sequence change replaces serine, which is neutral and polar, with arginine, which is basic and polar, at codon 357 of the NR2E3 protein (p.Ser357Arg). This variant is not present in population databases (gnomAD no frequency). This missense change has been observed in individual(s) with nyctalopia (Invitae). ClinVar contains an entry for this variant (Variation ID: 861628). Advanced modeling of protein sequence and biophysical properties (such as structural, functional, and spatial information, amino acid conservation, physicochemical variation, residue mobility, and thermodynamic stability) performed at Invitae indicates that this missense variant is not expected to disrupt NR2E3 protein function. In summary, the available evidence is currently insufficient to determine the role of this variant in disease. Therefore, it has been classified as a Variant of Uncertain Significance.

Natera, Inc.
Classification: Uncertain significance for Enhanced S cone syndrome. Last evaluated: 2021-04-14. Review status: no assertion criteria provided. Collection method: clinical testing. Allele origin: germline. Not counted in ClinVar's aggregate classification.

NM_014249.4(NR2E3):c.1071C>G (p.Ser357Arg)

Gene: NR2E3 (nuclear receptor subfamily 2 group E member 3; plus strand). Cytogenetic location: 15q23.
Variant type: single nucleotide variant.
Coding change: c.1071C>G on transcript NM_014249.4 (MANE Select); coding-DNA position 1071, C replaced by G.
Protein change: p.Ser357Arg; replaces serine 357 with arginine.
Molecular consequence: missense variant.
Genome position (GRCh38, 1-based): chr15:71,814,088, C>G. VCF-style: chr15-71814088-C-G. GRCh37 (hg19) VCF-style: chr15-72106429-C-G.
Other names: c.1071C>G, p.Ser357Arg (NM_016346.4); short protein forms S357R.
Identifiers: ClinVar variation 861628 (VCV000861628.6), dbSNP rs570291117, ClinGen allele CA272575760.
Genomic context (GRCh38, chr15:71,814,088, plus strand): 5'-GGATCCTGAGCACGTAGAGGCCTTGCAGGACCAGTCCCAAGTGATGCTGAGCCAGCACAG[C>G]AAGGCCCACCACCCCAGCCAGCCCGTGAGGTGACCTGAGCATGCGCCCACCCACTCATCT-3'
Protein context (NP_055064.1, residues 347-367): DQSQVMLSQH[Ser357Arg]KAHHPSQPVR